The following is an entry in ClinVar:

ClinVar aggregate classification (germline): Uncertain significance (1 of 4 stars; one submission).

Allele frequency attached by ClinVar (database versions not stated): gnomAD exomes below 0.00001.
gnomAD v4.1: 1 of 1,613,996 alleles (0.000062%); highest among the groups gnomAD compares: East Asian, 0.0022%; no homozygotes.

Submission:

Ambry Genetics
Classification: Uncertain significance. Last evaluated: 2023-02-25. Review status: criteria provided, single submitter. Criteria: Ambry Variant Classification Scheme 2023. Collection method: clinical testing. Allele origin: germline.
Comment: The p.F116S variant (also known as c.347T>C), located in coding exon 4 of the RINT1 gene, results from a T to C substitution at nucleotide position 347. The phenylalanine at codon 116 is replaced by serine, an amino acid with highly dissimilar properties. This amino acid position is conserved. In addition, this alteration is predicted to be tolerated by in silico analysis. Since supporting evidence is limited at this time, the clinical significance of this alteration remains unclear.

NM_021930.6(RINT1):c.347T>C (p.Phe116Ser)

Gene: RINT1 (RAD50 interactor 1; plus strand). Cytogenetic location: 7q22.3.
Variant type: single nucleotide variant.
Coding change: c.347T>C on transcript NM_021930.6 (MANE Select); coding-DNA position 347, T replaced by C.
Protein change: p.Phe116Ser; replaces phenylalanine 116 with serine.
Molecular consequence: missense variant. On other transcripts: 5 prime UTR variant (3), non-coding transcript variant (1).
Genome position (GRCh38, 1-based): chr7:105,542,481, T>C. VCF-style: chr7-105542481-T-C. GRCh37 (hg19) VCF-style: chr7-105182928-T-C.
Other names: c.113T>C, p.Phe38Ser (NM_001346599.2); c.-673T>C (NM_001346600.2); c.-576T>C (NM_001346601.2); c.-196T>C (NM_001346603.2); short protein forms F116S, F38S.
Identifiers: ClinVar variation 2448431 (VCV002448431.2), dbSNP rs1400002768, ClinGen allele CA368803137.